The following is an entry in ClinVar:

NM_000097.7(CPOX):c.32del (p.Gly11fs)

Genes: CPOX (coproporphyrinogen oxidase; minus strand), LOC129937121 (ATAC-STARR-seq lymphoblastoid silent region 14560; plus strand). Cytogenetic location: 3q11.2.
Variant type: Deletion.
Coding change: c.32del on transcript NM_000097.7 (MANE Select); coding-DNA position 32, one base deleted (G; older notation c.32delG).
Protein change: p.Gly11fs; shifts the reading frame from glycine 11.
Molecular consequence: frameshift variant.
Genome position (GRCh38, 1-based): chr3:98,593,473, C deleted on the plus strand (G on the coding strand, the reverse complement: CPOX is on the minus strand); the first of 3 consecutive C bases (chr3:98,593,473-98,593,475); deleting any one gives the same sequence. VCF-style (leftmost placement, unchanged base first): chr3-98593472-GC-G. GRCh37 (hg19) VCF-style: chr3-98312316-GC-G.
Other names: short protein forms G11fs.
Identifiers: ClinVar variation 1456595 (VCV001456595.8), dbSNP rs2107137562, ClinGen allele CA2573137535.

ClinVar aggregate classification (germline): Pathogenic (1 of 4 stars; one submission).

Submission:

Labcorp Genetics (formerly Invitae), Labcorp
Classification: Pathogenic. Last evaluated: 2021-05-17. Review status: criteria provided, single submitter. Criteria: Invitae Variant Classification Sherloc (09022015). Collection method: clinical testing. Allele origin: germline.
Comment: This sequence change creates a premature translational stop signal (p.Gly11Alafs*125) in the CPOX gene. It is expected to result in an absent or disrupted protein product. Loss-of-function variants in CPOX are known to be pathogenic (PMID: 9888388). The frequency data for this variant in the population databases is considered unreliable, as metrics indicate insufficient coverage at this position in the ExAC database. This variant has been observed in individual(s) with hereditary coproporphyria (PMID: 30476629). For these reasons, this variant has been classified as Pathogenic.

Literature cited by the submitters: PubMed 9888388; PubMed 30476629.